The following is an entry in ClinVar:

NM_004539.4(NARS1):c.389_390insA (p.Phe131fs)

Gene: NARS1 (asparaginyl-tRNA synthetase 1; minus strand). Cytogenetic location: 18q21.31.
Variant type: Insertion.
Coding change: c.389_390insA on transcript NM_004539.4 (MANE Select); coding-DNA positions 389 to 390, A inserted.
Protein change: p.Phe131fs; shifts the reading frame from phenylalanine 131.
Molecular consequence: frameshift variant.
Genome position: GRCh38 VCF-style: chr18-57613633-C-CT. GRCh37 (hg19) VCF-style: chr18-55280865-C-CT.
Other names: short protein forms F131fs.
Identifiers: ClinVar variation 3370906 (VCV003370906.1).

ClinVar aggregate classification (germline): Uncertain significance (1 of 4 stars; one submission).

Submission:

GeneDx
Classification: Uncertain significance. Last evaluated: 2024-03-15. Review status: criteria provided, single submitter. Criteria: GeneDx Variant Classification Process June 2021. Collection method: clinical testing. Allele origin: germline. Affected: yes.
Comment: Not observed at significant frequency in large population cohorts (gnomAD); Frameshift variant predicted to result in protein truncation or nonsense mediated decay in a gene or region of a gene for which loss of function is not a well-established mechanism of disease; Has not been previously published as pathogenic or benign to our knowledge